The following is an entry in ClinVar:

ClinVar aggregate classification (germline): Likely pathogenic (1 of 4 stars; one submission).

Conditions:
Marfan syndrome (MFS). Also called: MARFAN SYNDROME, TYPE I; Marfan syndrome type 1; Marfan's syndrome; Marfan syndrome, classic; FBN1-Related Marfan Syndrome. Identifiers: Orphanet 284963, Orphanet 558, MedGen C0024796, MONDO:0007947, OMIM 154700.

Submission:

Clinical and Biomedical Sciences, University of Exeter
Classification: Likely pathogenic for Marfan syndrome. Last evaluated: 2025-02-28. Review status: criteria provided, single submitter. Criteria: ACMG Guidelines, 2015. Collection method: research. Allele origin: germline. Affected: yes. Study: 100,000 Genomes Project.
Comment: 51bp contraction predicted. Other variants at the same position include c.6997+5G>A (DL=0.87, +5) PMID: 21907952; Invitae and in ClinVar VCV001437124.7 and c.6997+5G>T (VUS) VCV000954654.7.

NM_000138.5(FBN1):c.6997+5G>C

Gene: FBN1 (fibrillin 1; minus strand). Cytogenetic location: 15q21.1.
Variant type: single nucleotide variant.
Coding change: c.6997+5G>C on transcript NM_000138.5 (MANE Select); 5 bases into the intron after coding-DNA position 6997, G replaced by C.
Molecular consequence: intron variant.
Genome position (GRCh38, 1-based): chr15:48,428,341, C>G on the plus strand (G>C on the coding strand, the complement: FBN1 is on the minus strand). VCF-style: chr15-48428341-C-G. GRCh37 (hg19) VCF-style: chr15-48720538-C-G.
Other names: c.6997+5G>C (NM_001406716.1).
Identifiers: ClinVar variation 3769616 (VCV003769616.1).